The following is an entry in ClinVar:

NM_201384.3(PLEC):c.3968A>G (p.Tyr1323Cys)

Gene: PLEC (plectin; minus strand). Cytogenetic location: 8q24.3.
Variant type: single nucleotide variant.
Coding change: c.3968A>G on transcript NM_201384.3 (MANE Select); coding-DNA position 3968, A replaced by G.
Protein change: p.Tyr1323Cys; replaces tyrosine 1323 with cysteine.
Molecular consequence: missense variant.
Genome position (GRCh38, 1-based): chr8:143,926,860, T>C on the plus strand (A>G on the coding strand, the complement: PLEC is on the minus strand). VCF-style: chr8-143926860-T-C. GRCh37 (hg19) VCF-style: chr8-145001028-T-C.
Other names: c.4049A>G, p.Tyr1350Cys (NM_000445.5); c.3926A>G, p.Tyr1309Cys (NM_201378.4); c.3902A>G, p.Tyr1301Cys (NM_201379.3); c.4379A>G, p.Tyr1460Cys (NM_201380.4); c.3872A>G, p.Tyr1291Cys (NM_201381.3); c.3968A>G, p.Tyr1323Cys (NM_201382.4); c.3980A>G, p.Tyr1327Cys (NM_201383.3); short protein forms Y1291C, Y1309C, Y1327C, Y1301C, Y1460C, Y1323C, Y1350C.
Identifiers: ClinVar variation 1479781 (VCV001479781.8), dbSNP rs557438560, ClinGen allele CA4926825.

ClinVar aggregate classification (germline): Uncertain significance (1 of 4 stars; one submission).

Conditions:
Autosomal recessive limb-girdle muscular dystrophy type 2Q (LGMDR17). Also called: MUSCULAR DYSTROPHY, LIMB-GIRDLE, AUTOSOMAL RECESSIVE 17. Identifiers: Orphanet 254361, MedGen C3150989, MONDO:0013390, OMIM 613723.
Epidermolysis bullosa simplex 5B, with muscular dystrophy (EBS5B). Also called: EPIDERMOLYSIS BULLOSA SIMPLEX AND LIMB-GIRDLE MUSCULAR DYSTROPHY; Epidermolysis bullosa simplex with muscular dystrophy. Identifiers: Orphanet 257, MedGen C2931072, MONDO:0009181, OMIM 226670.
Epidermolysis bullosa simplex, Ogna type (EBS5A). Also called: Pidermolysis bullosa simplex 5A, Ogna type; EPIDERMOLYSIS BULLOSA SIMPLEX 5A, OGNA TYPE. Identifiers: Orphanet 79401, MedGen C0432317, MONDO:0007555, OMIM 131950.
Epidermolysis bullosa simplex with nail dystrophy (EBS5D). Identifiers: MedGen C4225309, MONDO:0014661, OMIM 616487.
Epidermolysis bullosa simplex 5C, with pyloric atresia (EBS5C). Also called: Epidermolysis bullosa simplex with pyloric atresia; PLEC1-Related Epidermolysis Bullosa with Pyloric Atresia; PLEC-Related Epidermolysis Bullosa with Pyloric Atresia. Identifiers: Orphanet 158684, MedGen C2677349, MONDO:0012807, OMIM 612138.

Allele frequency attached by ClinVar (database versions not stated): gnomAD exomes below 0.00001 and 0.00001; TOPMed below 0.00001; ExAC 0.00001; gnomAD 0.00001; 1000 Genomes Project 30x 0.00016; 1000 Genomes Project 0.00020.
gnomAD v4.1: 8 of 1,613,506 alleles (0.0005%); highest among the groups gnomAD compares: East Asian, 0.0022%; no homozygotes.

Submission:

Labcorp Genetics (formerly Invitae), Labcorp
Classification: Uncertain significance for Autosomal recessive limb-girdle muscular dystrophy type 2Q; Epidermolysis bullosa simplex, Ogna type; Epidermolysis bullosa simplex with nail dystrophy; Epidermolysis bullosa simplex 5C, with pyloric atresia; Epidermolysis bullosa simplex 5B, with muscular dystrophy. Last evaluated: 2022-11-08. Review status: criteria provided, single submitter. Criteria: Invitae Variant Classification Sherloc (09022015). Collection method: clinical testing. Allele origin: germline.
Comment: This sequence change replaces tyrosine, which is neutral and polar, with cysteine, which is neutral and slightly polar, at codon 1350 of the PLEC protein (p.Tyr1350Cys). In summary, the available evidence is currently insufficient to determine the role of this variant in disease. Therefore, it has been classified as a Variant of Uncertain Significance. Advanced modeling of protein sequence and biophysical properties (such as structural, functional, and spatial information, amino acid conservation, physicochemical variation, residue mobility, and thermodynamic stability) has been performed at Invitae for this missense variant, however the output from this modeling did not meet the statistical confidence thresholds required to predict the impact of this variant on PLEC protein function. ClinVar contains an entry for this variant (Variation ID: 1479781). This variant has not been reported in the literature in individuals affected with PLEC-related conditions. This variant is present in population databases (rs557438560, gnomAD 0.003%).